The following is an entry in ClinVar:

NM_001009944.3(PKD1):c.7831T>C (p.Tyr2611His)

Gene: PKD1 (polycystin 1, transient receptor potential channel interacting; minus strand). Cytogenetic location: 16p13.3.
Variant type: single nucleotide variant.
Coding change: c.7831T>C on transcript NM_001009944.3 (MANE Select); coding-DNA position 7831, T replaced by C.
Protein change: p.Tyr2611His; replaces tyrosine 2611 with histidine.
Molecular consequence: missense variant.
Genome position (GRCh38, 1-based): chr16:2,105,897, A>G on the plus strand (T>C on the coding strand, the complement: PKD1 is on the minus strand). VCF-style: chr16-2105897-A-G. GRCh37 (hg19) VCF-style: chr16-2155898-A-G.
Other names: c.7831T>C, p.Tyr2611His (NM_000296.4); short protein forms Y2611H.
Identifiers: ClinVar variation 4976635 (VCV004976635.1).

ClinVar aggregate classification (germline): Uncertain significance (1 of 4 stars; one submission).

gnomAD v4.1: 2 of 1,596,282 alleles (0.00013%); highest among the groups gnomAD compares: African/African-American, 0.0027%; no homozygotes.

Submission:

GeneDx
Classification: Uncertain significance. Last evaluated: 2026-03-18. Review status: criteria provided, single submitter. Criteria: GeneDx Variant Classification Process June 2021. Collection method: clinical testing. Allele origin: germline.
Comment: Reported among a cohort of patients with polycystic kidney disease; further patient-specific details were not provided (PMID: 35778421); Not observed at significant frequency in large population cohorts (gnomAD); In silico analysis supports that this missense variant has a deleterious effect on protein structure/function; This variant is associated with the following publications: (PMID: 35778421)